The following is an entry in ClinVar:

ClinVar aggregate classification (germline): Uncertain significance (1 of 4 stars; one submission).

Allele frequency attached by ClinVar (database versions not stated): gnomAD exomes below 0.00001.

Submission:

Labcorp Genetics (formerly Invitae), Labcorp
Classification: Uncertain significance. Last evaluated: 2023-11-13. Review status: criteria provided, single submitter. Criteria: Invitae Variant Classification Sherloc (09022015). Collection method: clinical testing. Allele origin: germline.
Comment: This sequence change replaces leucine, which is neutral and non-polar, with phenylalanine, which is neutral and non-polar, at codon 518 of the PTH1R protein (p.Leu518Phe). This variant is not present in population databases (gnomAD no frequency). This variant has not been reported in the literature in individuals affected with PTH1R-related conditions. An algorithm developed to predict the effect of missense changes on protein structure and function (PolyPhen-2) suggests that this variant is likely to be disruptive. In summary, the available evidence is currently insufficient to determine the role of this variant in disease. Therefore, it has been classified as a Variant of Uncertain Significance.

NM_000316.3(PTH1R):c.1552C>T (p.Leu518Phe)

Gene: PTH1R (parathyroid hormone 1 receptor; plus strand). Cytogenetic location: 3p21.31.
Variant type: single nucleotide variant.
Coding change: c.1552C>T on transcript NM_000316.3 (MANE Select); coding-DNA position 1552, C replaced by T.
Protein change: p.Leu518Phe; replaces leucine 518 with phenylalanine.
Molecular consequence: missense variant.
Genome position (GRCh38, 1-based): chr3:46,903,426, C>T. VCF-style: chr3-46903426-C-T. GRCh37 (hg19) VCF-style: chr3-46944916-C-T.
Other names: c.1552C>T, p.Leu518Phe (NM_001184744.1); short protein forms L518F.
Identifiers: ClinVar variation 2877188 (VCV002877188.3), dbSNP rs201788999, ClinGen allele CA73773034.
Genomic context (GRCh38, chr3:46,903,426, plus strand): 5'-CCCATGGTGTCCCACACAAGTGTGACCAATGTCGGCCCCCGTGTGGGACTCGGCCTGCCC[C>T]TCAGCCCCCGCCTACTGCCCACTGCCACCACCAACGGCCACCCTCAGCTGCCTGGCCATG-3'
Protein context (NP_000307.1, residues 508-528): VGPRVGLGLP[Leu518Phe]SPRLLPTATT